The following is an entry in ClinVar:

NM_022367.4(SEMA4A):c.1301T>C (p.Met434Thr)

Gene: SEMA4A (semaphorin 4A; plus strand). Cytogenetic location: 1q22.
Variant type: single nucleotide variant.
Coding change: c.1301T>C on transcript NM_022367.4 (MANE Select); coding-DNA position 1301, T replaced by C.
Protein change: p.Met434Thr; replaces methionine 434 with threonine.
Molecular consequence: missense variant.
Genome position (GRCh38, 1-based): chr1:156,172,992, T>C. VCF-style: chr1-156172992-T-C. GRCh37 (hg19) VCF-style: chr1-156142783-T-C.
Other names: c.1301T>C, p.Met434Thr (NM_001193300.2, NM_001193301.2, NM_001370567.1); c.905T>C, p.Met302Thr (NM_001193302.2); c.1004T>C, p.Met335Thr (NM_001370568.1); c.794T>C, p.Met265Thr (NM_001370569.1, NM_001370571.1); short protein forms M434T, M335T, M265T, M302T.
Identifiers: ClinVar variation 96033 (VCV000096033.32), dbSNP rs146822426, ClinGen allele CA223636.
Genomic context (GRCh38, chr1:156,172,992, plus strand): 5'-AGTATACACGGCTTGCAGTGGAGACAGCCCAGGGCCTTGATGGGCACAGCCATCTTGTCA[T>C]GTACCTGGGAACCAGTGAGTAAAGAGTTCCGGGACATCCCCCAGAGGACTAGAGCAGAGG-3'
Protein context (NP_071762.2, residues 424-444): QGLDGHSHLV[Met434Thr]YLGTTTGSLH

ClinVar aggregate classification (germline): Conflicting classifications of pathogenicity. Review status: criteria provided, conflicting classifications (1 of 4 stars). 9 submissions from 7 submitters: Uncertain significance (6); Likely benign (2). 1 of the submissions does not count toward it. Last evaluated 2026-01-26.

Conditions:
Optic atrophy. Identifiers: MedGen C0029124, MONDO:0003608, HP:0000648.
Retinal dystrophy. Also called: Inherited retinal dystrophy. Identifiers: Orphanet 71862, MedGen C0854723, MeSH D058499, MONDO:0019118, HP:0000556.
Colorectal cancer. Also called: Colorectal cancer, somatic; Malignant Colorectal Neoplasm. Identifiers: MedGen C0346629, MONDO:0005575, OMIM 114500.
Retinitis pigmentosa (RP). Identifiers: Orphanet 791, MedGen C0035334, MeSH D012174, MONDO:0019200, OMIM 268000. Inheritance: Autosomal dominant, autosomal recessive and X linked inheritance.
Cone-rod dystrophy 10 (CORD10). Identifiers: Orphanet 1872, MedGen C1846529, MONDO:0012464, OMIM 610283.

Allele frequency attached by ClinVar (database versions not stated): gnomAD exomes 0.00033 and 0.00070; gnomAD 0.00042 and 0.00044; TOPMed 0.00041; ExAC 0.00035; ESP Exome Variant Server 0.00092.
gnomAD v4.1: 1,080 of 1,613,918 alleles (0.067%); highest among the groups gnomAD compares: Non-Finnish European, 0.086%; 3 homozygotes.

Submissions (9):

Labcorp Genetics (formerly Invitae), Labcorp
Classification: Uncertain significance. Last evaluated: 2026-01-26. Review status: criteria provided, single submitter. Criteria: Invitae Variant Classification Sherloc (09022015). Collection method: clinical testing. Allele origin: germline.
Comment: This sequence change replaces methionine, which is neutral and non-polar, with threonine, which is neutral and polar, at codon 434 of the SEMA4A protein (p.Met434Thr). This variant is present in population databases (rs146822426, gnomAD 0.07%), and has an allele count higher than expected for a pathogenic variant. This variant has not been reported in the literature in individuals affected with SEMA4A-related conditions. ClinVar contains an entry for this variant (Variation ID: 96033). Invitae Evidence Modeling of protein sequence and biophysical properties (such as structural, functional, and spatial information, amino acid conservation, physicochemical variation, residue mobility, and thermodynamic stability) indicates that this missense variant is expected to disrupt SEMA4A protein function with a positive predictive value of 80%. In summary, the available evidence is currently insufficient to determine the role of this variant in disease. Therefore, it has been classified as a Variant of Uncertain Significance.

CeGaT Center for Human Genetics Tuebingen
Classification: Uncertain significance. Last evaluated: 2025-01-01. Review status: criteria provided, single submitter. Criteria: CeGaT Center For Human Genetics Tuebingen Variant Classification Criteria Version 2. Collection method: clinical testing. Allele origin: germline. Affected: yes. Observed: 1 variant allele.

Blueprint Genetics
Classification: Likely benign. Last evaluated: 2024-11-23. Review status: criteria provided, single submitter. Criteria: ACMG Guidelines, 2015. Collection method: clinical testing. Allele origin: germline.

Institute of Human Genetics, Univ. Regensburg, Univ. Regensburg
Classification: Uncertain significance for Optic atrophy. Last evaluated: 2022-01-01. Review status: criteria provided, single submitter. Criteria: ACMG Guidelines, 2015. Collection method: clinical testing. Allele origin: germline. Affected: yes.

Institute of Human Genetics, Univ. Regensburg, Univ. Regensburg
Classification: Uncertain significance for Retinal dystrophy. Last evaluated: 2022-01-01. Review status: criteria provided, single submitter. Criteria: ACMG Guidelines, 2015. Collection method: clinical testing. Allele origin: germline. Affected: yes.

Illumina Laboratory Services, Illumina
Classification: Likely benign for Retinitis pigmentosa. Last evaluated: 2018-01-13. Review status: criteria provided, single submitter. Criteria: ICSL Variant Classification Criteria 13 December 2019. Collection method: clinical testing. Allele origin: germline.
Comment: This variant was observed in the ICSL laboratory as part of a predisposition screen in an ostensibly healthy population. It had not been previously curated by ICSL or reported in the Human Gene Mutation Database (HGMD: prior to June 1st, 2018), and was therefore a candidate for classification through an automated scoring system. Utilizing variant allele frequency, disease prevalence and penetrance estimates, and inheritance mode, an automated score was calculated to assess if this variant is too frequent to cause the disease. Based on the score and internal cut-off values, a variant classified as likely benign is not then subjected to further curation. The score for this variant resulted in a classification of likely benign for this disease.

Illumina Laboratory Services, Illumina
Classification: Uncertain significance for Cone-rod dystrophy 10. Last evaluated: 2018-01-13. Review status: criteria provided, single submitter. Criteria: ICSL Variant Classification Criteria 13 December 2019. Collection method: clinical testing. Allele origin: germline.

Eurofins Ntd Llc (ga)
Classification: Uncertain significance. Last evaluated: 2015-03-04. Review status: criteria provided, single submitter. Criteria: EGL Classification Definitions 2015. Collection method: clinical testing. Allele origin: germline. Observed: 2 variant alleles, 2 heterozygotes.

CSER _CC_NCGL, University of Washington
Classification: Uncertain significance for Colorectal cancer. Last evaluated: 2016-08-01. Review status: no assertion criteria provided. Collection method: research. Allele origin: germline. Inheritance: Autosomal dominant inheritance. Study: CSER - NEXT Medicine variant annotation. Not counted in ClinVar's aggregate classification.
Comment: This gene does not have an established association with colon cancer risk.

Literature cited by the submitters: PubMed 24265693 (cited by Institute of Human Genetics, Univ. Regensburg, Univ. Regensburg).